The following is an entry in ClinVar:

ClinVar aggregate classification (germline): Conflicting classifications of pathogenicity. Review status: criteria provided, conflicting classifications (1 of 4 stars). 4 submissions from 4 submitters: Uncertain significance (1); Likely benign (3). Last evaluated 2025-03-07.

Conditions:
Hereditary cancer-predisposing syndrome. Also called: Neoplastic Syndromes, Hereditary; Hereditary Cancer Syndrome; Hereditary neoplastic syndrome; Tumor predisposition. Identifiers: Orphanet 140162, MedGen C0027672, MeSH D009386, MONDO:0015356.
Microcephaly, normal intelligence and immunodeficiency (NBS). Also called: Nijmegen breakage syndrome; Microcephaly with normal intelligence immunodeficiency and lymphoreticular malignancies; Nonsyndromal microcephaly autosomal recessive with normal intelligence; Seemanova syndrome 2; Ataxia telangiectasia variant V1; Immunodeficiency, microcephaly with normal intelligence. Identifiers: Orphanet 647, MedGen C0398791, MONDO:0009623, OMIM 251260.

Allele frequency attached by ClinVar (database versions not stated): gnomAD exomes below 0.00001; ExAC 0.00001; gnomAD 0.00001; TOPMed 0.00001.
gnomAD v4.1: 4 of 1,601,350 alleles (0.00025%); highest among the groups gnomAD compares: Non-Finnish European, 0.00034%; no homozygotes.

Submissions (4):

GeneDx
Classification: Uncertain significance. Last evaluated: 2025-03-07. Review status: criteria provided, single submitter. Criteria: GeneDx Variant Classification Process June 2021. Collection method: clinical testing. Allele origin: germline. Affected: yes.
Comment: Not observed at significant frequency in large population cohorts (gnomAD); In silico analysis indicates that this variant does not alter splicing; Has not been previously published as pathogenic or benign to our knowledge

Labcorp Genetics (formerly Invitae), Labcorp
Classification: Likely benign for Microcephaly, normal intelligence and immunodeficiency. Last evaluated: 2024-02-22. Review status: criteria provided, single submitter. Criteria: Invitae Variant Classification Sherloc (09022015). Collection method: clinical testing. Allele origin: germline.

Blueprint Genetics
Classification: Likely benign. Last evaluated: 2023-09-21. Review status: criteria provided, single submitter. Criteria: ACMG Guidelines, 2015. Collection method: clinical testing. Allele origin: germline.

Ambry Genetics
Classification: Likely benign for Hereditary cancer-predisposing syndrome. Last evaluated: 2022-03-16. Review status: criteria provided, single submitter. Criteria: Ambry Variant Classification Scheme 2023. Collection method: clinical testing. Allele origin: germline.

NM_002485.5(NBN):c.2007C>T (p.Ser669=)

Gene: NBN (nibrin; minus strand). Cytogenetic location: 8q21.3.
Variant type: single nucleotide variant.
Coding change: c.2007C>T on transcript NM_002485.5 (MANE Select); coding-DNA position 2007, C replaced by T.
Protein change: p.Ser669=; no amino-acid change (serine 669 retained).
Molecular consequence: synonymous variant.
Genome position (GRCh38, 1-based): chr8:89,946,203, G>A on the plus strand (C>T on the coding strand, the complement: NBN is on the minus strand). VCF-style: chr8-89946203-G-A. GRCh37 (hg19) VCF-style: chr8-90958431-G-A.
Other names: c.1761C>T, p.Ser587= (NM_001024688.3).
Identifiers: ClinVar variation 461534 (VCV000461534.18), dbSNP rs200399787, ClinGen allele CA4802631.